The following is an entry in ClinVar:

ClinVar aggregate classification (germline): Uncertain significance (1 of 4 stars; one submission).

Submission:

Labcorp Genetics (formerly Invitae), Labcorp
Classification: Uncertain significance. Last evaluated: 2025-07-14. Review status: criteria provided, single submitter. Criteria: Invitae Variant Classification Sherloc (09022015). Collection method: clinical testing. Allele origin: germline.
Comment: This sequence change affects an acceptor splice site in intron 20 of the HMCN1 gene. It is expected to disrupt RNA splicing. Variants that disrupt the donor or acceptor splice site typically lead to a loss of protein function (PMID: 16199547), however the current clinical and genetic evidence is not sufficient to establish whether loss-of-function variants in HMCN1 cause disease. This variant is not present in population databases (gnomAD no frequency). This variant has not been reported in the literature in individuals affected with HMCN1-related conditions. Algorithms developed to predict the effect of sequence changes on RNA splicing suggest that this variant may disrupt the consensus splice site. In summary, the available evidence is currently insufficient to determine the role of this variant in disease. Therefore, it has been classified as a Variant of Uncertain Significance.

Literature cited by the submitters: PubMed 16199547.

NM_031935.3(HMCN1):c.3049-2A>G

Gene: HMCN1 (hemicentin 1; plus strand). Cytogenetic location: 1q31.1.
Variant type: single nucleotide variant.
Coding change: c.3049-2A>G on transcript NM_031935.3 (MANE Select); the canonical splice acceptor site of the intron before coding-DNA position 3049, A replaced by G.
Molecular consequence: splice acceptor variant.
Genome position (GRCh38, 1-based): chr1:185,989,486, A>G. VCF-style: chr1-185989486-A-G. GRCh37 (hg19) VCF-style: chr1-185958618-A-G.
Identifiers: ClinVar variation 4712166 (VCV004712166.1).